The following is an entry in ClinVar:

ClinVar aggregate classification (germline): Uncertain significance (1 of 4 stars; one submission).

Conditions:
Charcot-Marie-Tooth disease axonal type 2O. Also called: CHARCOT-MARIE-TOOTH NEUROPATHY, AXONAL, TYPE 2O; CHARCOT-MARIE-TOOTH DISEASE, AXONAL, AUTOSOMAL DOMINANT, TYPE 2O; Charcot-Marie-Tooth Neuropathy Type 2O; Charcot-Marie-Tooth disease, axonal, type 20. Identifiers: Orphanet 284232, MedGen C3280220, MONDO:0013644, OMIM 614228.

Allele frequency attached by ClinVar (database versions not stated): gnomAD exomes below 0.00001.
gnomAD v4.1: 2 of 1,614,190 alleles (0.00012%); highest among the groups gnomAD compares: Non-Finnish European, 0.00017%; no homozygotes.

Submission:

Labcorp Genetics (formerly Invitae), Labcorp
Classification: Uncertain significance for Charcot-Marie-Tooth disease axonal type 2O. Last evaluated: 2024-09-08. Review status: criteria provided, single submitter. Criteria: Invitae Variant Classification Sherloc (09022015). Collection method: clinical testing. Allele origin: germline.
Comment: This sequence change replaces isoleucine, which is neutral and non-polar, with methionine, which is neutral and non-polar, at codon 2111 of the DYNC1H1 protein (p.Ile2111Met). This variant is not present in population databases (gnomAD no frequency). This missense change has been observed in individual(s) with clinical features of distal hereditary motor neuropathy (internal data). Invitae Evidence Modeling of protein sequence and biophysical properties (such as structural, functional, and spatial information, amino acid conservation, physicochemical variation, residue mobility, and thermodynamic stability) indicates that this missense variant is not expected to disrupt DYNC1H1 protein function with a negative predictive value of 95%. In summary, the available evidence is currently insufficient to determine the role of this variant in disease. Therefore, it has been classified as a Variant of Uncertain Significance.

NM_001376.5(DYNC1H1):c.6333A>G (p.Ile2111Met)

Gene: DYNC1H1 (dynein cytoplasmic 1 heavy chain 1; plus strand). Cytogenetic location: 14q32.31.
Variant type: single nucleotide variant.
Coding change: c.6333A>G on transcript NM_001376.5 (MANE Select); coding-DNA position 6333, A replaced by G.
Protein change: p.Ile2111Met; replaces isoleucine 2111 with methionine.
Molecular consequence: missense variant.
Genome position (GRCh38, 1-based): chr14:102,010,387, A>G. VCF-style: chr14-102010387-A-G. GRCh37 (hg19) VCF-style: chr14-102476724-A-G.
Other names: short protein forms I2111M.
Identifiers: ClinVar variation 2804665 (VCV002804665.3), dbSNP rs1036673776, ClinGen allele CA267002825.
Genomic context (GRCh38, chr14:102,010,387, plus strand): 5'-GGCTTTGAAGAGTGTGCTGGTGAGTGCAGGCAATGTGAAGAGAGAGAGAATCCAGAAGAT[A>G]AAGAGGGAGAAAGAGGAACGAGGGGAAGCAGTTGATGAAGGAGAAATTGCTGAAAATCTC-3'
Protein context (NP_001367.2, residues 2101-2121): GNVKRERIQK[Ile2111Met]KREKEERGEA